The following is an entry in ClinVar:

ClinVar aggregate classification (germline): Uncertain significance (1 of 4 stars; one submission).

Submission:

CeGaT Center for Human Genetics Tuebingen
Classification: Uncertain significance. Last evaluated: 2024-02-01. Review status: criteria provided, single submitter. Criteria: CeGaT Center For Human Genetics Tuebingen Variant Classification Criteria Version 2. Collection method: clinical testing. Allele origin: germline. Affected: yes. Observed: 2 variant alleles.
Comment: TOP3B: PM2, PVS1:Supporting

NM_001282112.2(TOP3B):c.2386C>T (p.Gln796Ter)

Gene: TOP3B (DNA topoisomerase III beta; minus strand). Cytogenetic location: 22q11.22.
Variant type: single nucleotide variant.
Coding change: c.2386C>T on transcript NM_001282112.2 (MANE Select); coding-DNA position 2386, C replaced by T.
Protein change: p.Gln796Ter; replaces glutamine 796 with a stop codon.
Molecular consequence: nonsense. On other transcripts: 3 prime UTR variant (2), non-coding transcript variant (1).
Genome position (GRCh38, 1-based): chr22:21,957,317, G>A on the plus strand (C>T on the coding strand, the complement: TOP3B is on the minus strand). VCF-style: chr22-21957317-G-A. GRCh37 (hg19) VCF-style: chr22-22311689-G-A.
Other names: c.2386C>T, p.Gln796Ter (NM_001282113.2, NM_001349845.2, NM_001349847.2 and 1 more transcripts); c.1978C>T, p.Gln660Ter (NM_001349848.2, NM_001349850.2); c.*1089C>T (NM_001349851.2, NM_001349852.2); short protein forms Q660*, Q796*.
Identifiers: ClinVar variation 1298886 (VCV001298886.35), dbSNP rs749647936, ClinGen allele CA410834365.